The following is an entry in ClinVar:

ClinVar aggregate classification (germline): Uncertain significance. Review status: criteria provided, multiple submitters, no conflicts (2 of 4 stars). 3 submissions from 3 submitters: Uncertain significance (3). Last evaluated 2023-08-02.

Conditions:
Deficiency of alpha-mannosidase (MANSA). Also called: LYSOSOMAL ALPHA-D-MANNOSIDASE DEFICIENCY; Mannosidosis, alpha-, types I and II; Alpha-Mannosidosis. Identifiers: Orphanet 61, MedGen C0024748, MONDO:0009561, OMIM 248500.

Allele frequency attached by ClinVar (database versions not stated): gnomAD 0.00001; gnomAD exomes 0.00001 and 0.00009; TOPMed 0.00004; ExAC 0.00008.
gnomAD v4.1: 16 of 1,613,928 alleles (0.00099%); highest among the groups gnomAD compares: East Asian, 0.036%; no homozygotes.

Submissions (3):

Blueprint Genetics
Classification: Uncertain significance. Last evaluated: 2023-08-02. Review status: criteria provided, single submitter. Criteria: ACMG Guidelines, 2015. Collection method: clinical testing. Allele origin: germline.

Labcorp Genetics (formerly Invitae), Labcorp
Classification: Uncertain significance for Deficiency of alpha-mannosidase. Last evaluated: 2022-09-19. Review status: criteria provided, single submitter. Criteria: Invitae Variant Classification Sherloc (09022015). Collection method: clinical testing. Allele origin: germline.
Comment: This sequence change replaces proline, which is neutral and non-polar, with threonine, which is neutral and polar, at codon 189 of the MAN2B1 protein (p.Pro189Thr). This variant is present in population databases (rs750137512, gnomAD 0.1%). This variant has not been reported in the literature in individuals affected with MAN2B1-related conditions. ClinVar contains an entry for this variant (Variation ID: 892432). Algorithms developed to predict the effect of missense changes on protein structure and function (SIFT, PolyPhen-2, Align-GVGD) all suggest that this variant is likely to be disruptive. In summary, the available evidence is currently insufficient to determine the role of this variant in disease. Therefore, it has been classified as a Variant of Uncertain Significance.

Illumina Laboratory Services, Illumina
Classification: Uncertain significance for Deficiency of alpha-mannosidase. Last evaluated: 2018-01-13. Review status: criteria provided, single submitter. Criteria: ICSL Variant Classification Criteria 13 December 2019. Collection method: clinical testing. Allele origin: germline.

NM_000528.4(MAN2B1):c.565C>A (p.Pro189Thr)

Gene: MAN2B1 (mannosidase alpha class 2B member 1; minus strand). Cytogenetic location: 19p13.13.
Variant type: single nucleotide variant.
Coding change: c.565C>A on transcript NM_000528.4 (MANE Select); coding-DNA position 565, C replaced by A.
Protein change: p.Pro189Thr; replaces proline 189 with threonine.
Molecular consequence: missense variant.
Genome position (GRCh38, 1-based): chr19:12,664,857, G>T on the plus strand (C>A on the coding strand, the complement: MAN2B1 is on the minus strand). VCF-style: chr19-12664857-G-T. GRCh37 (hg19) VCF-style: chr19-12775671-G-T.
Other names: c.565C>A, p.Pro189Thr (NM_001173498.2); short protein forms P189T.
Identifiers: ClinVar variation 892432 (VCV000892432.6), dbSNP rs750137512, ClinGen allele CA9226779.
Genomic context (GRCh38, chr19:12,664,857, plus strand): 5'-CAAACAGCGAGGCCTGCTCCCGAGAGTGGCCGAAGGGGTCAATGTGCCAGGCCACACGGG[G>T]TCGCCCATCATTGCCAAATGTGTCCTCCAGAAAGCGCAGCCCAAGTGTCATCTGGTCCAC-3'
Protein context (NP_000519.2, residues 179-199): LEDTFGNDGR[Pro189Thr]RVAWHIDPFG